The following is an entry in ClinVar:

NM_001365276.2(TNXB):c.2995G>T (p.Glu999Ter)

Gene: TNXB (tenascin XB; minus strand). Cytogenetic location: 6p21.33.
Variant type: single nucleotide variant.
Coding change: c.2995G>T on transcript NM_001365276.2 (MANE Select); coding-DNA position 2995, G replaced by T.
Protein change: p.Glu999Ter; replaces glutamic acid 999 with a stop codon.
Molecular consequence: nonsense.
Genome position (GRCh38, 1-based): chr6:32,085,903, C>A on the plus strand (G>T on the coding strand, the complement: TNXB is on the minus strand). VCF-style: chr6-32085903-C-A. GRCh37 (hg19) VCF-style: chr6-32053680-C-A.
Other names: c.3736G>T, p.Glu1246Ter (NM_001428335.1); c.2995G>T, p.Glu999Ter (NM_019105.8); short protein forms E1246*, E999*.
Identifiers: ClinVar variation 5013135 (VCV005013135.1).

ClinVar aggregate classification (germline): Pathogenic (1 of 4 stars; one submission).

Conditions:
Ehlers-Danlos syndrome due to tenascin-X deficiency (EDSCLL1). Also called: Ehlers-Danlos syndrome, classic-like, 1; EHLERS-DANLOS SYNDROME, CLASSIC-LIKE; TNXB-Related Classical-Like Ehlers-Danlos Syndrome; EDS DUE TO TNX DEFICIENCY; TNX DEFICIENCY. Identifiers: Orphanet 230839, MedGen C1848029, MONDO:0011670, OMIM 606408.

Submission:

Myriad Genetics, Inc.
Classification: Pathogenic for Ehlers-Danlos syndrome due to tenascin-X deficiency. Last evaluated: 2024-06-02. Review status: criteria provided, single submitter. Criteria: Myriad Autosomal Dominant, Autosomal Recessive and X-Linked Classification Criteria (2023). Collection method: clinical testing. Allele origin: unknown.
Comment: NM_019105.6(TNXB):c.2995G>T(E999*) is expected to be pathogenic in the context of classical-like Ehlers-Danlos syndrome, TNXB-related. This variant is predicted to lead to an abnormal or absent protein product due to the creation of a premature termination codon in TNXB, a gene where loss-of-function variants are known to be pathogenic. Please note: this variant was assessed in the context of healthy population screening.